The following is an entry in ClinVar:

NM_014476.6(PDLIM3):c.552G>C (p.Lys184Asn)

Gene: PDLIM3 (PDZ and LIM domain 3; minus strand). Cytogenetic location: 4q35.1.
Variant type: single nucleotide variant.
Coding change: c.552G>C on transcript NM_014476.6 (MANE Select); coding-DNA position 552, G replaced by C.
Protein change: p.Lys184Asn; replaces lysine 184 with asparagine.
Molecular consequence: missense variant. On other transcripts: intron variant (3).
Genome position (GRCh38, 1-based): chr4:185,508,409, C>G on the plus strand (G>C on the coding strand, the complement: PDLIM3 is on the minus strand). VCF-style: chr4-185508409-C-G. GRCh37 (hg19) VCF-style: chr4-186429563-C-G.
Other names: c.162-1757G>C (NM_001257963.2); c.399-1757G>C (NM_001257962.2); c.519-1757G>C (NM_001114107.5); short protein forms K184N.
Identifiers: ClinVar variation 2924923 (VCV002924923.3), dbSNP rs1447674398, ClinGen allele CA358923918.

ClinVar aggregate classification (germline): Uncertain significance (1 of 4 stars; one submission).

Conditions:
Primary dilated cardiomyopathy (DCM). Also called: Dilated Cardiomyopathy. Identifiers: Orphanet 217604, MedGen C0007193, MeSH D002311, MONDO:0005021, HP:0001644. Inheritance: Various modes of inheritance.
Hypertrophic cardiomyopathy. Also called: HYPERTROPHIC MYOCARDIOPATHY. Identifiers: Orphanet 217569, MedGen C0007194, MeSH D002312, MONDO:0005045, HP:0001639.

Allele frequency attached by ClinVar (database versions not stated): gnomAD exomes below 0.00001.

Submission:

Labcorp Genetics (formerly Invitae), Labcorp
Classification: Uncertain significance for Hypertrophic cardiomyopathy; Primary dilated cardiomyopathy. Last evaluated: 2025-09-02. Review status: criteria provided, single submitter. Criteria: Invitae Variant Classification Sherloc (09022015). Collection method: clinical testing. Allele origin: germline.
Comment: This sequence change replaces lysine, which is basic and polar, with asparagine, which is neutral and polar, at codon 184 of the PDLIM3 protein (p.Lys184Asn). This variant is present in population databases (no rsID available, gnomAD 0.0009%). This variant has not been reported in the literature in individuals affected with PDLIM3-related conditions. ClinVar contains an entry for this variant (Variation ID: 2924923). Invitae Evidence Modeling of protein sequence and biophysical properties (such as structural, functional, and spatial information, amino acid conservation, physicochemical variation, residue mobility, and thermodynamic stability) indicates that this missense variant is not expected to disrupt PDLIM3 protein function with a negative predictive value of 80%. Algorithms developed to predict the effect of sequence changes on RNA splicing suggest that this variant may disrupt the consensus splice site. In summary, the available evidence is currently insufficient to determine the role of this variant in disease. Therefore, it has been classified as a Variant of Uncertain Significance.